The following is an entry in ClinVar:

NM_002049.4(GATA1):c.302C>T (p.Thr101Met)

Gene: GATA1 (GATA binding protein 1; plus strand). Cytogenetic location: Xp11.23.
Variant type: single nucleotide variant.
Coding change: c.302C>T on transcript NM_002049.4 (MANE Select); coding-DNA position 302, C replaced by T.
Protein change: p.Thr101Met; replaces threonine 101 with methionine.
Molecular consequence: missense variant.
Genome position (GRCh38, 1-based): chrX:48,791,925, C>T. VCF-style: chrX-48791925-C-T. GRCh37 (hg19) VCF-style: chrX-48650332-C-T.
Other names: short protein forms T101M.
Identifiers: ClinVar variation 1347260 (VCV001347260.9), dbSNP rs200599207, ClinGen allele CA10404584.

ClinVar aggregate classification (germline): Uncertain significance. Review status: criteria provided, multiple submitters, no conflicts (2 of 4 stars). 2 submissions from 2 submitters: Uncertain significance (2). Last evaluated 2024-10-06.

Conditions:
Diamond-Blackfan anemia. Also called: Blackfan Diamond syndrome; Aregenerative anemia chronic congenital; Red cell aplasia, pure hereditary; Congenital hypoplastic anemia; Aase syndrome. Identifiers: Orphanet 124, MedGen C1260899, MeSH D029503, MONDO:0015253, HP:0004810.
GATA binding protein 1 related thrombocytopenia with dyserythropoiesis. Also called: GATA1-Related Cytopenia; GATA1-Related X-Linked Cytopenia. Identifiers: MedGen C1845837, MONDO:0100089.

Allele frequency attached by ClinVar (database versions not stated): gnomAD exomes 0.00001 and below 0.00001; TOPMed 0.00005; ESP Exome Variant Server 0.00009; ExAC 0.00002; 1000 Genomes Project 30x 0.00021; gnomAD 0.00002.
gnomAD v4.1: 9 of 1,210,273 alleles (0.00074%); highest among the groups gnomAD compares: African/African-American, 0.0052%; no homozygotes.

Submissions (2):

Labcorp Genetics (formerly Invitae), Labcorp
Classification: Uncertain significance for GATA binding protein 1 related thrombocytopenia with dyserythropoiesis; Diamond-Blackfan anemia. Last evaluated: 2024-10-06. Review status: criteria provided, single submitter. Criteria: Invitae Variant Classification Sherloc (09022015). Collection method: clinical testing. Allele origin: germline.
Comment: This sequence change replaces threonine, which is neutral and polar, with methionine, which is neutral and non-polar, at codon 101 of the GATA1 protein (p.Thr101Met). This variant is present in population databases (rs200599207, gnomAD 0.01%). This variant has not been reported in the literature in individuals affected with GATA1-related conditions. ClinVar contains an entry for this variant (Variation ID: 1347260). Invitae Evidence Modeling of protein sequence and biophysical properties (such as structural, functional, and spatial information, amino acid conservation, physicochemical variation, residue mobility, and thermodynamic stability) has been performed for this missense variant. However, the output from this modeling did not meet the statistical confidence thresholds required to predict the impact of this variant on GATA1 protein function. In summary, the available evidence is currently insufficient to determine the role of this variant in disease. Therefore, it has been classified as a Variant of Uncertain Significance.

Revvity Omics, Revvity
Classification: Uncertain significance. Last evaluated: 2024-04-22. Review status: criteria provided, single submitter. Criteria: ACMG Guidelines, 2015. Collection method: clinical testing. Allele origin: germline.